The following is an entry in ClinVar:

ClinVar aggregate classification (germline): Pathogenic (1 of 4 stars; one submission).

Conditions:
Charcot-Marie-Tooth disease type 4A. Also called: Charcot-Marie-Tooth disease, demyelinating, autosomal recessive, type 4a. Identifiers: Orphanet 99948, MedGen C1859198, MONDO:0008961, OMIM 214400.

Submission:

Labcorp Genetics (formerly Invitae), Labcorp
Classification: Pathogenic for Charcot-Marie-Tooth disease type 4A. Last evaluated: 2024-10-21. Review status: criteria provided, single submitter. Criteria: Invitae Variant Classification Sherloc (09022015). Collection method: clinical testing. Allele origin: germline.
Comment: This sequence change creates a premature translational stop signal (p.Glu168Valfs*2) in the GDAP1 gene. It is expected to result in an absent or disrupted protein product. Loss-of-function variants in GDAP1 are known to be pathogenic (PMID: 11743580). This variant is not present in population databases (gnomAD no frequency). This variant has not been reported in the literature in individuals affected with GDAP1-related conditions. ClinVar contains an entry for this variant (Variation ID: 467764). For these reasons, this variant has been classified as Pathogenic.

Literature cited by the submitters: PubMed 11743580.

NM_018972.4(GDAP1):c.503_504del (p.Glu168fs)

Gene: GDAP1 (ganglioside induced differentiation associated protein 1; plus strand). Cytogenetic location: 8q21.11.
Variant type: Microsatellite.
Coding change: c.503_504del on transcript NM_018972.4 (MANE Select); coding-DNA positions 503 to 504, 2 bases deleted (AG; older notation c.503_504delAG).
Protein change: p.Glu168fs; shifts the reading frame from glutamic acid 168.
Molecular consequence: frameshift variant.
Genome position (GRCh38, 1-based): chr8:74,361,902-74,361,903, AG deleted; deleting any 2 consecutive bases within chr8:74,361,900-74,361,903 gives the same sequence; the c. name uses the placement nearest the transcript's 3' end. VCF-style (leftmost placement, unchanged base first): chr8-74361899-CAG-C. GRCh37 (hg19) VCF-style: chr8-75274134-CAG-C.
Other names: c.299_300del, p.Glu100fs (NM_001040875.4); c.176_177del, p.Glu59fs (NM_001362929.2, NM_001362932.2); c.329_330del, p.Glu110fs (NM_001362930.2); c.503_504del, p.Glu168fs (NM_001362931.2); short protein forms E110fs, E100fs, E168fs, E59fs.
Identifiers: ClinVar variation 467764 (VCV000467764.3), dbSNP rs1221804567, ClinGen allele CA658657780.